The following is an entry in ClinVar:

ClinVar aggregate classification (germline): Pathogenic. Review status: criteria provided, multiple submitters, no conflicts (2 of 4 stars). 2 submissions from 2 submitters: Pathogenic (2). Last evaluated 2024-08-31.

Conditions:
Diamond-Blackfan anemia 10 (DBA10). Also called: RPS26-Related Diamond-Blackfan Anemia. Identifiers: Orphanet 124, MedGen C2750080, MONDO:0013217, OMIM 613309.

Submissions (2):

Labcorp Genetics (formerly Invitae), Labcorp
Classification: Pathogenic for Diamond-Blackfan anemia 10. Last evaluated: 2024-08-31. Review status: criteria provided, single submitter. Criteria: Invitae Variant Classification Sherloc (09022015). Collection method: clinical testing. Allele origin: germline.
Comment: This sequence change creates a premature translational stop signal (p.Arg28*) in the RPS26 gene. It is expected to result in an absent or disrupted protein product. Loss-of-function variants in RPS26 are known to be pathogenic (PMID: 20116044, 23718193). This variant is not present in population databases (gnomAD no frequency). This premature translational stop signal has been observed in individual(s) with Diamond-Blackfan anemia (PMID: 37376976). For these reasons, this variant has been classified as Pathogenic.

BloodGenetics
Classification: Pathogenic for Diamond-Blackfan anemia 10. Review status: criteria provided, single submitter. Criteria: ACMG Guidelines, 2015. Collection method: clinical testing. Allele origin: germline. Inheritance: Autosomal dominant inheritance. Affected: yes. Observed: 1 variant allele.

Literature cited by the submitters: PubMed 20116044 (cited by Labcorp Genetics (formerly Invitae), Labcorp); PubMed 23718193 (cited by Labcorp Genetics (formerly Invitae), Labcorp); PubMed 37376976 (cited by Labcorp Genetics (formerly Invitae), Labcorp and BloodGenetics); PubMed 30376034 (cited by BloodGenetics).

NM_001029.5(RPS26):c.82C>T (p.Arg28Ter)

Gene: RPS26 (ribosomal protein S26; plus strand). Cytogenetic location: 12q13.2.
Variant type: single nucleotide variant.
Coding change: c.82C>T on transcript NM_001029.5 (MANE Select); coding-DNA position 82, C replaced by T.
Protein change: p.Arg28Ter; replaces arginine 28 with a stop codon.
Molecular consequence: nonsense.
Genome position (GRCh38, 1-based): chr12:56,042,503, C>T. VCF-style: chr12-56042503-C-T. GRCh37 (hg19) VCF-style: chr12-56436287-C-T.
Other names: short protein forms R28*.
Identifiers: ClinVar variation 3358915 (VCV003358915.3).
Genomic context (GRCh38, chr12:56,042,503, plus strand): 5'-AATGGTCGTGCCAAAAAGGGCCGCGGCCACGTGCAGCCTATTCGCTGCACTAACTGTGCC[C>T]GATGCGTGCCCAAGGACAAGGCCATTAAGAAATTCGTCATTCGAAACATAGTGGAGGCCG-3'